The following is an entry in ClinVar:

ClinVar aggregate classification (germline): Uncertain significance (1 of 4 stars; one submission).

Allele frequency attached by ClinVar (database versions not stated): gnomAD exomes 0.00001; ExAC 0.00005.
gnomAD v4.1: 8 of 1,202,808 alleles (0.00067%); highest among the groups gnomAD compares: South Asian, 0.011%; no homozygotes.

Submission:

Labcorp Genetics (formerly Invitae), Labcorp
Classification: Uncertain significance. Last evaluated: 2023-12-04. Review status: criteria provided, single submitter. Criteria: Invitae Variant Classification Sherloc (09022015). Collection method: clinical testing. Allele origin: germline.
Comment: This sequence change replaces histidine, which is basic and polar, with leucine, which is neutral and non-polar, at codon 413 of the MBTPS2 protein (p.His413Leu). This variant is present in population databases (rs763125730, gnomAD 0.02%). This variant has not been reported in the literature in individuals affected with MBTPS2-related conditions. Advanced modeling of protein sequence and biophysical properties (such as structural, functional, and spatial information, amino acid conservation, physicochemical variation, residue mobility, and thermodynamic stability) performed at Invitae indicates that this missense variant is not expected to disrupt MBTPS2 protein function with a negative predictive value of 80%. In summary, the available evidence is currently insufficient to determine the role of this variant in disease. Therefore, it has been classified as a Variant of Uncertain Significance.

NM_015884.4(MBTPS2):c.1238A>T (p.His413Leu)

Gene: MBTPS2 (membrane bound transcription factor peptidase, site 2; plus strand). Cytogenetic location: Xp22.12.
Variant type: single nucleotide variant.
Coding change: c.1238A>T on transcript NM_015884.4 (MANE Select); coding-DNA position 1238, A replaced by T.
Protein change: p.His413Leu; replaces histidine 413 with leucine.
Molecular consequence: missense variant.
Genome position (GRCh38, 1-based): chrX:21,878,669, A>T. VCF-style: chrX-21878669-A-T. GRCh37 (hg19) VCF-style: chrX-21896787-A-T.
Other names: short protein forms H413L.
Identifiers: ClinVar variation 2869744 (VCV002869744.3), dbSNP rs763125730, ClinGen allele CA10367664.